The following is an entry in ClinVar:

ClinVar aggregate classification (germline): Uncertain significance (1 of 4 stars; one submission).

Conditions:
USH2A-related disorder. Also called: USH2A-related condition; USH2A-related disorders. Identifiers: MedGen CN239332.

Submission:

PreventionGenetics, part of Exact Sciences
Classification: Uncertain significance for USH2A-related condition. Last evaluated: 2026-01-15. Review status: criteria provided, single submitter. Criteria: ACMG Guidelines, 2015. Collection method: clinical testing. Allele origin: germline.
Comment: The USH2A c.11051T>A variant is predicted to result in the amino acid substitution p.Val3684Asp. To our knowledge, this variant has not been reported in the literature or in a large population database (gnomAD), indicating this variant is rare. At this time, the clinical significance of this variant is uncertain due to the absence of conclusive functional and genetic evidence.

NM_206933.4(USH2A):c.11051T>A (p.Val3684Asp)

Gene: USH2A (usherin; minus strand). Cytogenetic location: 1q41.
Variant type: single nucleotide variant.
Coding change: c.11051T>A on transcript NM_206933.4 (MANE Select); coding-DNA position 11051, T replaced by A.
Protein change: p.Val3684Asp; replaces valine 3684 with aspartic acid.
Molecular consequence: missense variant.
Genome position (GRCh38, 1-based): chr1:215,759,840, A>T on the plus strand (T>A on the coding strand, the complement: USH2A is on the minus strand). VCF-style: chr1-215759840-A-T. GRCh37 (hg19) VCF-style: chr1-215933182-A-T.
Other names: short protein forms V3684D.
Identifiers: ClinVar variation 4998805 (VCV004998805.1).
Genomic context (GRCh38, chr1:215,759,840, plus strand): 5'-AGACTCCAATATAATTCCACTGTTGTAGAATTGATGATAATGTGTCGAGGTGTCACCCAA[A>T]CTCCTGGCAAGAATAACGCAATGAGGTTTTATTGTTAGGAGAAAATAAACAGTGTATCAA-3'
Protein context (NP_996816.3, residues 3674-3694): GQTLQAAPEG[Val3684Asp]WVTPRHIIIN